The following is an entry in ClinVar:

NM_001754.5(RUNX1):c.648C>T (p.Pro216=)

Gene: RUNX1 (RUNX family transcription factor 1; minus strand). Cytogenetic location: 21q22.12.
Variant type: single nucleotide variant.
Coding change: c.648C>T on transcript NM_001754.5 (MANE Select); coding-DNA position 648, C replaced by T.
Protein change: p.Pro216=; no amino-acid change (proline 216 retained).
Molecular consequence: synonymous variant.
Genome position (GRCh38, 1-based): chr21:34,834,567, G>A on the plus strand (C>T on the coding strand, the complement: RUNX1 is on the minus strand). VCF-style: chr21-34834567-G-A. GRCh37 (hg19) VCF-style: chr21-36206864-G-A.
Other names: NM_001754.5(RUNX1):c.648C>T; p.Pro216=; c.567C>T, p.Pro189= (NM_001001890.3, NM_001122607.2).
Identifiers: ClinVar variation 239051 (VCV000239051.44), dbSNP rs199759556, ClinGen allele CA10014386.
Genomic context (GRCh38, chr21:34,834,567, plus strand): 5'-CATGGCTGTGCGCCGCAGCTGCTCCAGTTCACTGAGCCGCTCGGAAAAGGACAAGCTCCC[G>A]GGCTTGGTCTGATCATCTAGTTTCTGCCGATGTCCTATTGTGGGGAGCAGGGAGGGGAGG-3'
Protein context (NP_001745.2, residues 206-226): HRQKLDDQTK[Pro216=]GSLSFSERLS

ClinVar aggregate classification (germline): Benign. Review status: reviewed by expert panel (3 of 4 stars). 8 submissions from 8 submitters: Benign (1). 7 of the submissions do not count toward it. Last evaluated 2022-07-05.

Conditions:
Hereditary thrombocytopenia and hematologic cancer predisposition syndrome. Identifiers: Orphanet 71290, MedGen CN281654, MONDO:0011071.
Hereditary cancer-predisposing syndrome. Also called: Tumor predisposition; Hereditary Cancer Syndrome; Neoplastic Syndromes, Hereditary; Hereditary neoplastic syndrome. Identifiers: Orphanet 140162, MedGen C0027672, MeSH D009386, MONDO:0015356.
Hereditary thrombocytopenia and hematological cancer predisposition syndrome associated with RUNX1. Also called: PLATELET DISORDER, ASPIRIN-LIKE; Familial Platelet Disorder with Propensity to Acute Myelogenous Leukemia; Familial thrombocytopenia with propensity to acute myelogenous leukemia; RUNX1 Familial Platelet Disorder with Associated Myeloid Malignancies. Identifiers: Orphanet 71290, MedGen C1832388, MeSH C563324, MONDO:0100083, OMIM 601399.
Inborn genetic diseases. Identifiers: MedGen C0950123, MeSH D030342.

Allele frequency attached by ClinVar (database versions not stated): ExAC 0.00013; gnomAD 0.00019 and 0.00021; TOPMed 0.00022; ESP Exome Variant Server 0.00023.
gnomAD v4.1: 182 of 1,612,526 alleles (0.011%); highest among the groups gnomAD compares: Middle Eastern, 0.097%; no homozygotes.

Submissions (8):

ClinGen Myeloid Malignancy Variant Curation Expert Panel
Classification: Benign for Hereditary thrombocytopenia and hematologic cancer predisposition syndrome. Last evaluated: 2022-07-05. Review status: reviewed by expert panel. Criteria: ClinGen MyeloMalig ACMG Specifications v2. Collection method: curation. Allele origin: germline. Inheritance: Autosomal dominant inheritance.
Comment: The c.648C>T (p.Pro216=) variant is a synonymous (silent) variant that is not predicted by SpliceAI to impact splicing (BP4); in addition, an evolutionary conservation algorithm predicts the site as being non-conserved (PhyloP score = -2.75191 in GRCh38), and the variant allele is the reference nucleotide in one primate and/or three mammal species (BP7). The highest population minor allele frequency for this variant in gnomAD v3 is 0.05079% (21/41346 alleles) in the African/African American population, which is higher than the ClinGen Myeloid Malignancy VCEP threshold of 0.015% (BS1). The variant also has not been reported in cases or the literature. In summary, this variant meets the criteria to be classified as likely benign for hereditary thrombocytopenia and hematologic cancer predisposition syndrome based on the ACMG/AMP criteria applied, as specified by the ClinGen Myeloid Malignancy VCEP: BS1, BP4, and BP7

Labcorp Genetics (formerly Invitae), Labcorp
Classification: Likely benign for Hereditary thrombocytopenia and hematological cancer predisposition syndrome associated with RUNX1. Last evaluated: 2026-01-26. Review status: criteria provided, single submitter. Criteria: Invitae Variant Classification Sherloc (09022015). Collection method: clinical testing. Allele origin: germline. Not counted in ClinVar's aggregate classification.

Blueprint Genetics
Classification: Likely benign. Last evaluated: 2024-11-14. Review status: criteria provided, single submitter. Criteria: ACMG Guidelines, 2015. Collection method: clinical testing. Allele origin: germline. Not counted in ClinVar's aggregate classification.

Ambry Genetics
Classification: Likely benign for Inborn genetic diseases. Last evaluated: 2024-08-21. Review status: criteria provided, single submitter. Criteria: Ambry Variant Classification Scheme 2023. Collection method: clinical testing. Allele origin: germline. Not counted in ClinVar's aggregate classification.

CeGaT Center for Human Genetics Tuebingen
Classification: Likely benign. Last evaluated: 2022-10-01. Review status: criteria provided, single submitter. Criteria: CeGaT Center For Human Genetics Tuebingen Variant Classification Criteria Version 2. Collection method: clinical testing. Allele origin: germline. Affected: yes. Observed: 1 variant allele. Not counted in ClinVar's aggregate classification.
Comment: RUNX1: BP4, BP7

Sema4
Classification: Likely benign for Hereditary cancer-predisposing syndrome. Last evaluated: 2021-07-30. Review status: criteria provided, single submitter. Criteria: Sema4 Curation Guidelines. Collection method: curation. Allele origin: germline. Not counted in ClinVar's aggregate classification.

Illumina Laboratory Services, Illumina
Classification: Benign for Hereditary thrombocytopenia and hematological cancer predisposition syndrome associated with RUNX1. Last evaluated: 2018-01-12. Review status: criteria provided, single submitter. Criteria: ICSL Variant Classification Criteria 13 December 2019. Collection method: clinical testing. Allele origin: germline. Not counted in ClinVar's aggregate classification.
Comment: This variant was observed in the ICSL laboratory as part of a predisposition screen in an ostensibly healthy population. It had not been previously curated by ICSL or reported in the Human Gene Mutation Database (HGMD: prior to June 1st, 2018), and was therefore a candidate for classification through an automated scoring system. Utilizing variant allele frequency, disease prevalence and penetrance estimates, and inheritance mode, an automated score was calculated to assess if this variant is too frequent to cause the disease. Based on the score and internal cut-off values, a variant classified as benign is not then subjected to further curation. The score for this variant resulted in a classification of benign for this disease.

PreventionGenetics, part of Exact Sciences
Classification: Likely benign. Last evaluated: 2016-12-21. Review status: criteria provided, single submitter. Criteria: ACMG Guidelines, 2015. Collection method: clinical testing. Allele origin: germline. Not counted in ClinVar's aggregate classification.